The following is an entry in ClinVar:

ClinVar aggregate classification (germline): Uncertain significance (1 of 4 stars; one submission).

Allele frequency attached by ClinVar (database versions not stated): ExAC 0.00003; gnomAD 0.00003; gnomAD exomes 0.00008.
gnomAD v4.1: 126 of 1,608,502 alleles (0.0078%); highest among the groups gnomAD compares: Non-Finnish European, 0.0099%; 3 homozygotes.

Submission:

CeGaT Center for Human Genetics Tuebingen
Classification: Uncertain significance. Last evaluated: 2022-09-01. Review status: criteria provided, single submitter. Criteria: CeGaT Center For Human Genetics Tuebingen Variant Classification Criteria Version 2. Collection method: clinical testing. Allele origin: germline. Affected: yes. Observed: 1 variant allele.
Comment: STRC: PM2

NM_153700.2(STRC):c.3640C>T (p.His1214Tyr)

Gene: STRC (stereocilin; minus strand). Cytogenetic location: 15q15.3.
Variant type: single nucleotide variant.
Coding change: c.3640C>T on transcript NM_153700.2 (MANE Select); coding-DNA position 3640, C replaced by T.
Protein change: p.His1214Tyr; replaces histidine 1214 with tyrosine.
Molecular consequence: missense variant.
Genome position (GRCh38, 1-based): chr15:43,608,121, G>A on the plus strand (C>T on the coding strand, the complement: STRC is on the minus strand). VCF-style: chr15-43608121-G-A. GRCh37 (hg19) VCF-style: chr15-43900319-G-A.
Other names: short protein forms H1214Y.
Identifiers: ClinVar variation 1711380 (VCV001711380.30), dbSNP rs749753534, ClinGen allele CA7528284.
Genomic context (GRCh38, chr15:43,608,121, plus strand): 5'-TCCAGGCACCCCCTCTCACCAGGCTCCCTCGAACTCTAGTGGGCAGCTGATAGATCATGT[G>A]CACCACTTCAAGGAAGTCTACCATGGAGTTGATCTGCTGCAGAAACTCACAGGACATGCC-3'
Protein context (NP_714544.1, residues 1204-1224): NSMVDFLEVV[His1214Tyr]MIYQLPTRVR